The following is an entry in ClinVar:

NM_001178015.2(SLC4A10):c.1511C>T (p.Ala504Val)

Gene: SLC4A10 (solute carrier family 4 member 10; plus strand). Cytogenetic location: 2q24.2.
Variant type: single nucleotide variant.
Coding change: c.1511C>T on transcript NM_001178015.2 (MANE Select); coding-DNA position 1511, C replaced by T.
Protein change: p.Ala504Val; replaces alanine 504 with valine.
Molecular consequence: missense variant.
Genome position (GRCh38, 1-based): chr2:161,904,072, C>T. VCF-style: chr2-161904072-C-T. GRCh37 (hg19) VCF-style: chr2-162760582-C-T.
Other names: c.1454C>T, p.Ala485Val (NM_001178016.2, NM_001354445.2); c.1511C>T, p.Ala504Val (NM_001354440.2); c.1544C>T, p.Ala515Val (NM_001354441.2, NM_001354442.2); c.1457C>T, p.Ala486Val (NM_001354443.2, NM_001354447.2); c.1508C>T, p.Ala503Val (NM_001354444.2); c.1421C>T, p.Ala474Val (NM_001354446.2, NM_001354450.2, NM_022058.4); c.1451C>T, p.Ala484Val (NM_001354448.2); c.1418C>T, p.Ala473Val (NM_001354449.2, NM_001354451.2); and 3 more; short protein forms A281V, A425V, A473V, A474V, A484V, A485V, A486V, A503V.
Identifiers: ClinVar variation 4537990 (VCV004537990.2).

ClinVar aggregate classification (germline): Uncertain significance (1 of 4 stars; one submission).

Submission:

GeneDx
Classification: Uncertain significance. Last evaluated: 2026-03-21. Review status: criteria provided, single submitter. Criteria: GeneDx Variant Classification Process June 2021. Collection method: clinical testing. Allele origin: germline.
Comment: Not observed at significant frequency in large population cohorts (gnomAD); In silico analysis supports that this missense variant has a deleterious effect on protein structure/function; Has not been previously published as pathogenic or benign to our knowledge